The following is an entry in ClinVar:

NM_001199107.2(TBC1D24):c.206C>G (p.Pro69Arg)

Gene: TBC1D24 (TBC1 domain family member 24; plus strand). Cytogenetic location: 16p13.3.
Variant type: single nucleotide variant.
Coding change: c.206C>G on transcript NM_001199107.2 (MANE Select); coding-DNA position 206, C replaced by G.
Protein change: p.Pro69Arg; replaces proline 69 with arginine.
Molecular consequence: missense variant.
Genome position (GRCh38, 1-based): chr16:2,496,354, C>G. VCF-style: chr16-2496354-C-G. GRCh37 (hg19) VCF-style: chr16-2546355-C-G.
Other names: c.206C>G, p.Pro69Arg (NM_020705.3); short protein forms P69R.
Identifiers: ClinVar variation 3752911 (VCV003752911.2).

ClinVar aggregate classification (germline): Uncertain significance (1 of 4 stars; one submission).

Conditions:
Autosomal dominant nonsyndromic hearing loss 65. Also called: Deafness, autosomal dominant 65; TBC1D24-Related Autosomal Dominant Nonsyndromic Hearing Loss (DFNA). Identifiers: Orphanet 90635, MedGen C3892048, MONDO:0014470, OMIM 616044.
Developmental and epileptic encephalopathy, 1 (DEE1). Also called: INFANTILE SPASM SYNDROME, X-LINKED 1; X-linked infantile spasms; West's syndrome; Tonic spasms with clustering, arrest of psychomotor development and hypsarrhythmia on EEG; X-Linked Infantile Spasm Syndrome; OHTAHARA SYNDROME, X-LINKED. Identifiers: MedGen C3463992, MONDO:0010632, OMIM 308350. Disease mechanism: loss of function.

Submission:

Labcorp Genetics (formerly Invitae), Labcorp
Classification: Uncertain significance for Developmental and epileptic encephalopathy, 1; Autosomal dominant nonsyndromic hearing loss 65. Last evaluated: 2024-04-16. Review status: criteria provided, single submitter. Criteria: Invitae Variant Classification Sherloc (09022015). Collection method: clinical testing. Allele origin: germline.
Comment: This sequence change replaces proline, which is neutral and non-polar, with arginine, which is basic and polar, at codon 69 of the TBC1D24 protein (p.Pro69Arg). This variant is not present in population databases (gnomAD no frequency). This variant has not been reported in the literature in individuals affected with TBC1D24-related conditions. Advanced modeling of protein sequence and biophysical properties (such as structural, functional, and spatial information, amino acid conservation, physicochemical variation, residue mobility, and thermodynamic stability) performed at Invitae indicates that this missense variant is expected to disrupt TBC1D24 protein function with a positive predictive value of 80%. In summary, the available evidence is currently insufficient to determine the role of this variant in disease. Therefore, it has been classified as a Variant of Uncertain Significance.